The following is an entry in ClinVar:

ClinVar aggregate classification (germline): Uncertain significance (1 of 4 stars; one submission).

Conditions:
Cardiovascular phenotype. Identifiers: MedGen CN230736.

Allele frequency attached by ClinVar (database versions not stated): gnomAD exomes 0.00001.

Submission:

Ambry Genetics
Classification: Uncertain significance for Cardiovascular phenotype. Last evaluated: 2024-01-16. Review status: criteria provided, single submitter. Criteria: Ambry Variant Classification Scheme 2023. Collection method: clinical testing. Allele origin: germline.
Comment: The p.S287N variant (also known as c.860G>A), located in coding exon 7 of the SPRED1 gene, results from a G to A substitution at nucleotide position 860. The serine at codon 287 is replaced by asparagine, an amino acid with highly similar properties. This amino acid position is conserved. In addition, this alteration is predicted to be tolerated by in silico analysis. Since supporting evidence is limited at this time, the clinical significance of this alteration remains unclear.

NM_152594.3(SPRED1):c.860G>A (p.Ser287Asn)

Gene: SPRED1 (sprouty related EVH1 domain containing 1; plus strand). Cytogenetic location: 15q14.
Variant type: single nucleotide variant.
Coding change: c.860G>A on transcript NM_152594.3 (MANE Select); coding-DNA position 860, G replaced by A.
Protein change: p.Ser287Asn; replaces serine 287 with asparagine.
Molecular consequence: missense variant.
Genome position (GRCh38, 1-based): chr15:38,351,189, G>A. VCF-style: chr15-38351189-G-A. GRCh37 (hg19) VCF-style: chr15-38643390-G-A.
Other names: short protein forms S287N.
Identifiers: ClinVar variation 3229271 (VCV003229271.1), dbSNP rs2542742811, ClinGen allele CA391933413.